The following is an entry in ClinVar:

NM_000283.4(PDE6B):c.1920+3del

Gene: PDE6B (phosphodiesterase 6B; plus strand). Cytogenetic location: 4p16.3.
Variant type: Deletion.
Coding change: c.1920+3del on transcript NM_000283.4 (MANE Select); 3 bases into the intron after coding-DNA position 1920, one base deleted (T; older notation c.1920+3delT).
Molecular consequence: splice donor variant.
Genome position (GRCh38, 1-based): chr4:663,190, T deleted; the last of 2 consecutive T bases (chr4:663,189-663,190); deleting either gives the same sequence. VCF-style (leftmost placement, unchanged base first): chr4-663188-GT-G. GRCh37 (hg19) VCF-style: chr4-656977-GT-G.
Other names: c.1920+3del (NM_001145291.2, NM_001440547.1, NM_001440548.1); c.1083+3del (NM_001379246.1, NM_001379247.1, NM_001145292.2 and 1 more transcripts); c.765+3del (NM_001350155.3).
Identifiers: ClinVar variation 4772659 (VCV004772659.1).

ClinVar aggregate classification (germline): Uncertain significance (1 of 4 stars; one submission).

Submission:

Labcorp Genetics (formerly Invitae), Labcorp
Classification: Uncertain significance. Last evaluated: 2026-01-11. Review status: criteria provided, single submitter. Criteria: Invitae Variant Classification Sherloc (09022015). Collection method: clinical testing. Allele origin: germline.
Comment: This sequence change falls in intron 15 of the PDE6B gene. It does not directly change the encoded amino acid sequence of the PDE6B protein. It affects a nucleotide within the consensus splice site. This variant is present in population databases (no rsID available, gnomAD 0.007%). This variant has not been reported in the literature in individuals affected with PDE6B-related conditions. Variants that disrupt the consensus splice site are a relatively common cause of aberrant splicing (PMID: 17576681, 9536098). Algorithms developed to predict the effect of sequence changes on RNA splicing suggest that this variant may disrupt the consensus splice site. In summary, the available evidence is currently insufficient to determine the role of this variant in disease. Therefore, it has been classified as a Variant of Uncertain Significance.

Literature cited by the submitters: PubMed 17576681; PubMed 9536098.